The following is an entry in ClinVar:

NM_005228.5(EGFR):c.938C>T (p.Ala313Val)

Gene: EGFR (epidermal growth factor receptor; plus strand). Cytogenetic location: 7p11.2.
Variant type: single nucleotide variant.
Coding change: c.938C>T on transcript NM_005228.5 (MANE Select); coding-DNA position 938, C replaced by T.
Protein change: p.Ala313Val; replaces alanine 313 with valine.
Molecular consequence: missense variant.
Genome position (GRCh38, 1-based): chr7:55,155,878, C>T. VCF-style: chr7-55155878-C-T. GRCh37 (hg19) VCF-style: chr7-55223571-C-T.
Other names: c.803C>T, p.Ala268Val (NM_001346897.2, NM_001346899.2); c.938C>T, p.Ala313Val (NM_001346898.2, NM_201282.2, NM_201283.2 and 1 more transcripts); c.779C>T, p.Ala260Val (NM_001346900.2); c.137C>T, p.Ala46Val (NM_001346941.2); short protein forms A260V, A313V, A268V, A46V.
Identifiers: ClinVar variation 957865 (VCV000957865.10), dbSNP rs149321481, ClinGen allele CA4265415.
Genomic context (GRCh38, chr7:55,155,878, plus strand): 5'-TCTCTTCCCCAGGTAATTATGTGGTGACAGATCACGGCTCGTGCGTCCGAGCCTGTGGGG[C>T]CGACAGCTATGAGATGGAGGAAGACGGCGTCCGCAAGTGTAAGAAGTGCGAAGGGCCTTG-3'
Protein context (NP_005219.2, residues 303-323): DHGSCVRACG[Ala313Val]DSYEMEEDGV

ClinVar aggregate classification (germline): Conflicting classifications of pathogenicity. Review status: criteria provided, conflicting classifications (1 of 4 stars). 4 submissions from 4 submitters: Uncertain significance (3); Likely benign (1). Last evaluated 2025-12-31.

Conditions:
Inflammatory skin and bowel disease, neonatal, 2 (NNCIS). Identifiers: Orphanet 294023, MedGen C4015130, MONDO:0014481, OMIM 616069.
Lung cancer. Also called: Malignant tumor of lung; Lung cancer, somatic. Identifiers: MedGen C0242379, MONDO:0008903, OMIM 211980.
Hereditary cancer-predisposing syndrome. Also called: Tumor predisposition; Hereditary neoplastic syndrome; Neoplastic Syndromes, Hereditary; Hereditary Cancer Syndrome. Identifiers: Orphanet 140162, MedGen C0027672, MeSH D009386, MONDO:0015356.
EGFR-related lung cancer (EGFR). Identifiers: MedGen CN130014.

Allele frequency attached by ClinVar (database versions not stated): gnomAD exomes 0.00002; ExAC 0.00003; gnomAD 0.00005 and 0.00006; TOPMed 0.00006; ESP Exome Variant Server 0.00008.
gnomAD v4.1: 18 of 1,613,870 alleles (0.0011%); highest among the groups gnomAD compares: African/African-American, 0.024%; no homozygotes.

Submissions (4):

Labcorp Genetics (formerly Invitae), Labcorp
Classification: Uncertain significance for EGFR-related lung cancer. Last evaluated: 2025-12-31. Review status: criteria provided, single submitter. Criteria: Invitae Variant Classification Sherloc (09022015). Collection method: clinical testing. Allele origin: germline.
Comment: This sequence change replaces alanine, which is neutral and non-polar, with valine, which is neutral and non-polar, at codon 313 of the EGFR protein (p.Ala313Val). This variant is present in population databases (rs149321481, gnomAD 0.02%). This variant has not been reported in the literature in individuals affected with EGFR-related conditions. ClinVar contains an entry for this variant (Variation ID: 957865). Invitae Evidence Modeling of protein sequence and biophysical properties (such as structural, functional, and spatial information, amino acid conservation, physicochemical variation, residue mobility, and thermodynamic stability) indicates that this missense variant is not expected to disrupt EGFR protein function with a negative predictive value of 80%. In summary, the available evidence is currently insufficient to determine the role of this variant in disease. Therefore, it has been classified as a Variant of Uncertain Significance.

GeneDx
Classification: Uncertain significance. Last evaluated: 2025-05-05. Review status: criteria provided, single submitter. Criteria: GeneDx Variant Classification Process June 2021. Collection method: clinical testing. Allele origin: germline. Affected: yes.
Comment: In silico analysis suggests that this missense variant does not alter protein structure/function; Has not been previously published as pathogenic or benign to our knowledge

Ambry Genetics
Classification: Likely benign for Hereditary cancer-predisposing syndrome. Last evaluated: 2024-10-17. Review status: criteria provided, single submitter. Criteria: Ambry Variant Classification Scheme 2023. Collection method: clinical testing. Allele origin: germline.

Fulgent Genetics
Classification: Uncertain significance for Lung cancer; Inflammatory skin and bowel disease, neonatal, 2. Last evaluated: 2024-06-21. Review status: criteria provided, single submitter. Criteria: ACMG Guidelines, 2015. Collection method: clinical testing. Allele origin: germline.